The following is an entry in ClinVar:

NM_007129.5(ZIC2):c.107A>C (p.Gln36Pro)

Gene: ZIC2 (Zic family member 2; plus strand). Cytogenetic location: 13q32.3.
Variant type: single nucleotide variant.
Coding change: c.107A>C on transcript NM_007129.5 (MANE Select); coding-DNA position 107, A replaced by C.
Protein change: p.Gln36Pro; replaces glutamine 36 with proline.
Molecular consequence: missense variant.
Genome position (GRCh38, 1-based): chr13:99,982,171, A>C. VCF-style: chr13-99982171-A-C. GRCh37 (hg19) VCF-style: chr13-100634425-A-C.
Other names: short protein forms Q36P.
Identifiers: ClinVar variation 2374873 (VCV002374873.2), dbSNP rs1185333947, ClinGen allele CA388636568.

ClinVar aggregate classification (germline): Uncertain significance (1 of 4 stars; one submission).

Conditions:
Inborn genetic diseases. Identifiers: MedGen C0950123, MeSH D030342.

Allele frequency attached by ClinVar (database versions not stated): gnomAD 0.00001; TOPMed 0.00001.
gnomAD v4.1: 11 of 1,437,970 alleles (0.00076%); highest among the groups gnomAD compares: African/African-American, 0.0015%; no homozygotes.

Submission:

Ambry Genetics
Classification: Uncertain significance for Inborn genetic diseases. Last evaluated: 2021-12-07. Review status: criteria provided, single submitter. Criteria: Ambry Variant Classification Scheme 2023. Collection method: clinical testing. Allele origin: germline.
Comment: (Brown, 2005) (Dubourg, 2004) (Dykes, 2018) (Houtmeyers, 2016) Based on insufficient or conflicting evidence, the clinical significance of this alteration remains unclear.

Literature cited by the submitters: PubMed 15221788; PubMed 15590697; PubMed 27466203; PubMed 29992973.